The following is an entry in ClinVar:

NM_001378183.1(PIEZO2):c.5257-1G>A

Gene: PIEZO2 (piezo type mechanosensitive ion channel component 2; minus strand). Cytogenetic location: 18p11.22.
Variant type: single nucleotide variant.
Coding change: c.5257-1G>A on transcript NM_001378183.1 (MANE Select); the canonical splice acceptor site of the intron before coding-DNA position 5257, G replaced by A.
Molecular consequence: splice acceptor variant.
Genome position (GRCh38, 1-based): chr18:10,714,931, C>T on the plus strand (G>A on the coding strand, the complement: PIEZO2 is on the minus strand). VCF-style: chr18-10714931-C-T. GRCh37 (hg19) VCF-style: chr18-10714929-C-T.
Other names: c.5083-1G>A (NM_022068.4); c.5158-1G>A (NM_001410871.1).
Identifiers: ClinVar variation 489219 (VCV000489219.5), dbSNP rs1555630216, ClinGen allele CA401912664.

ClinVar aggregate classification (germline): Pathogenic. Review status: criteria provided, multiple submitters, no conflicts (2 of 4 stars). 3 submissions from 3 submitters: Pathogenic (3). Last evaluated 2025-10-15.

Conditions:
Arthrogryposis, distal, with impaired proprioception and touch (DAIPT). Identifiers: MedGen C4310692, MONDO:0014941, OMIM 617146.

Allele frequency attached by ClinVar (database versions not stated): gnomAD exomes below 0.00001.
gnomAD v4.1: 1 of 1,536,904 alleles (0.000065%); highest among the groups gnomAD compares: Non-Finnish European, 0.000087%; no homozygotes.

Submissions (3):

Dasa
Classification: Pathogenic. Last evaluated: 2025-10-15. Review status: criteria provided, single submitter. Criteria: DASA Assertion Criteria. Collection method: clinical testing. Allele origin: germline.
Comment: NM_001378183.1(PIEZO2):c.5257-1G>A affects a canonical splice site and is predicted to disrupt normal RNA splicing, leading to loss of normal protein function. Loss-of-function is an established mechanism of disease for this gene. This variant has been observed in affected individuals with related phenotype in a genotype context consistent with recessive disease. The variant is present at low frequency in population datasets. Based on the available data, this variant is classified as pathogenic.

Undiagnosed Diseases Network, NIH
Classification: Pathogenic for Arthrogryposis, distal, with impaired proprioception and touch. Last evaluated: 2017-12-11. Review status: criteria provided, single submitter. Criteria: ACMG Guidelines, 2015. Collection method: clinical testing. Allele origin: maternal. Inheritance: Autosomal recessive inheritance. Affected: yes. Observed: 1 variant allele, 1 compound heterozygote.
Comment: It is predicted to cause abnormal gene splicing, either leading to an abnormal message that is subject to nonsense-mediated mRNA decay, or to an abnormal protein product if the message is used for protein translation.

GeneDx
Classification: Pathogenic. Last evaluated: 2017-12-07. Review status: criteria provided, single submitter. Criteria: GeneDx Variant Classification (06012015). Collection method: clinical testing. Allele origin: germline. Affected: yes.
Comment: The c.5083-1G>A variant in the PIEZO2 gene has not been reported previously as a pathogenic variant nor as a benign variant, to our knowledge. This splice site variant destroys the canonical splice acceptor site in intron 35. It is predicted to cause abnormal gene splicing, either leading to an abnormal message that is subject to nonsense-mediated mRNA decay, or to an abnormal protein product if the message is used for protein translation. The c.5083-1G>A variant is not observed in large population cohorts (Lek et al., 2016). We interpret c.5083-1G>A as a pathogenic variant.